The following is an entry in ClinVar:

ClinVar aggregate classification (germline): Uncertain significance (1 of 4 stars; one submission).

Allele frequency attached by ClinVar (database versions not stated): gnomAD exomes below 0.00001; ExAC 0.00001.
gnomAD v4.1: 3 of 1,610,592 alleles (0.00019%); highest among the groups gnomAD compares: East Asian, 0.0022%; no homozygotes.

Submission:

Labcorp Genetics (formerly Invitae), Labcorp
Classification: Uncertain significance. Last evaluated: 2023-03-10. Review status: criteria provided, single submitter. Criteria: Invitae Variant Classification Sherloc (09022015). Collection method: clinical testing. Allele origin: germline.
Comment: This sequence change falls in intron 11 of the DNM1L gene. It does not directly change the encoded amino acid sequence of the DNM1L protein. It affects a nucleotide within the consensus splice site. This variant is present in population databases (rs747625663, gnomAD 0.006%). This variant has not been reported in the literature in individuals affected with DNM1L-related conditions. Variants that disrupt the consensus splice site are a relatively common cause of aberrant splicing (PMID: 17576681, 9536098). Algorithms developed to predict the effect of sequence changes on RNA splicing suggest that this variant is not likely to affect RNA splicing. In summary, the available evidence is currently insufficient to determine the role of this variant in disease. Therefore, it has been classified as a Variant of Uncertain Significance.

Literature cited by the submitters: PubMed 17576681; PubMed 9536098.

NM_012062.5(DNM1L):c.1357-3T>C

Gene: DNM1L (dynamin 1 like; plus strand). Cytogenetic location: 12p11.21.
Variant type: single nucleotide variant.
Coding change: c.1357-3T>C on transcript NM_012062.5 (MANE Select); 3 bases into the intron before coding-DNA position 1357, T replaced by C.
Molecular consequence: intron variant.
Genome position (GRCh38, 1-based): chr12:32,731,851, T>C. VCF-style: chr12-32731851-T-C. GRCh37 (hg19) VCF-style: chr12-32884785-T-C.
Other names: c.1396-3T>C (NM_001278464.2, NM_001278465.2, NM_001330380.2); c.748-3T>C (NM_001278466.2); c.1357-3T>C (NM_001278463.2, NM_012063.4, NM_005690.5).
Identifiers: ClinVar variation 2870173 (VCV002870173.3), dbSNP rs747625663, ClinGen allele CA6507538.